The following is an entry in ClinVar:

NM_004859.4(CLTC):c.187C>T (p.Arg63Ter)

Gene: CLTC (clathrin heavy chain; plus strand). Cytogenetic location: 17q23.1.
Variant type: single nucleotide variant.
Coding change: c.187C>T on transcript NM_004859.4 (MANE Select); coding-DNA position 187, C replaced by T.
Protein change: p.Arg63Ter; replaces arginine 63 with a stop codon.
Molecular consequence: nonsense.
Genome position (GRCh38, 1-based): chr17:59,644,420, C>T. VCF-style: chr17-59644420-C-T. GRCh37 (hg19) VCF-style: chr17-57721781-C-T.
Other names: c.187C>T, p.Arg63Ter (NM_001288653.2); c.187C>T (NM_004859.3); short protein forms R63*.
Identifiers: ClinVar variation 816974 (VCV000816974.3), dbSNP rs1598211790, ClinGen allele CA400418951.

ClinVar aggregate classification (germline): Pathogenic. Review status: criteria provided, multiple submitters, no conflicts (2 of 4 stars). 3 submissions from 3 submitters: Pathogenic (3). Last evaluated 2019-02-22.

Conditions:
Intellectual developmental disorder, autosomal dominant 56. Also called: MENTAL RETARDATION, AUTOSOMAL DOMINANT 56; Intellectual disability, autosomal dominant 56. Identifiers: MedGen C4693389, MONDO:0030922, OMIM 617854.

Submissions (3):

GeneDx
Classification: Pathogenic. Last evaluated: 2019-02-22. Review status: criteria provided, single submitter. Criteria: GeneDx Variant Classification (06012015). Collection method: clinical testing. Allele origin: germline. Affected: yes.
Comment: The R63X variant in the CLTC gene has not been reported previously as a pathogenic variant nor as a benign variant, to our knowledge. This variant is predicted to cause loss of normal protein function either through protein truncation or nonsense-mediated mRNA decay. The R63X variant is not observed in large population cohorts (Lek et al., 2016). We interpret R63X as a pathogenic variant.

Institute of Human Genetics, University of Leipzig Medical Center
Classification: Pathogenic for Intellectual developmental disorder, autosomal dominant 56. Last evaluated: 2019-01-01. Review status: criteria provided, single submitter. Criteria: ACMG Guidelines, 2015. Collection method: clinical testing. Allele origin: unknown. Affected: yes.

Clinical Genetics Service, Universitary Hospital 12 de Octubre
Classification: Pathogenic for Intellectual developmental disorder, autosomal dominant 56. Review status: criteria provided, single submitter. Criteria: ACMG Guidelines, 2015. Collection method: clinical testing. Allele origin: de novo. Affected: yes.